The following is an entry in ClinVar:

ClinVar aggregate classification (germline): Likely benign (0 of 4 stars; one submission).

Conditions:
KRT8-related disorder. Also called: KRT8-related condition.

Allele frequency attached by ClinVar (database versions not stated): gnomAD 0.00003; gnomAD exomes 0.00004; TOPMed 0.00006; ExAC 0.00008; 1000 Genomes Project 30x 0.00031.
gnomAD v4.1: 67 of 1,590,026 alleles (0.0042%); highest among the groups gnomAD compares: Middle Eastern, 0.2%; no homozygotes.

Submission:

PreventionGenetics, part of Exact Sciences
Classification: Likely benign for KRT8-related condition. Last evaluated: 2020-02-26. Review status: no assertion criteria provided. Collection method: clinical testing. Allele origin: germline.
Comment: This variant is classified as likely benign based on ACMG/AMP sequence variant interpretation guidelines (Richards et al. 2015 PMID: 25741868, with internal and published modifications).

NM_002273.4(KRT8):c.-29G>A

Gene: KRT8 (keratin 8; minus strand). Cytogenetic location: 12q13.13.
Variant type: single nucleotide variant.
Coding change: c.-29G>A on transcript NM_002273.4 (MANE Select); 29 bases upstream of the start codon, G replaced by A.
Molecular consequence: 5 prime UTR variant. On other transcripts: missense variant (1), non-coding transcript variant (1).
Genome position (GRCh38, 1-based): chr12:52,905,010, C>T on the plus strand (G>A on the coding strand, the complement: KRT8 is on the minus strand). VCF-style: chr12-52905010-C-T. GRCh37 (hg19) VCF-style: chr12-53298794-C-T.
Other names: c.56G>A, p.Gly19Asp (NM_001256282.2); c.-29G>A (NM_001256293.2); short protein forms G19D.
Identifiers: ClinVar variation 3052199 (VCV003052199.2), dbSNP rs771819471, ClinGen allele CA6590649.
Genomic context (GRCh38, chr12:52,905,010, plus strand): 5'-TTGTAGGACTTCTGGGTCACCCTGATGGACATGGTAGAGGCAGGAGTGGAGGCAGGCGGG[C>T]CGAACCAGGCGGAGATCCTAGAAGGAGCGGAGAAGCTGCTTCTTGGTGAGGAGAGCTCTC-3'